The following is an entry in ClinVar:

NM_001322934.2(NFKB2):c.1346G>T (p.Arg449Leu)

Genes: NFKB2 (nuclear factor kappa B subunit 2; plus strand), LOC130004599 (ATAC-STARR-seq lymphoblastoid silent region 2756; plus strand). Cytogenetic location: 10q24.32.
Variant type: single nucleotide variant.
Coding change: c.1346G>T on transcript NM_001322934.2 (MANE Select); coding-DNA position 1346, G replaced by T.
Protein change: p.Arg449Leu; replaces arginine 449 with leucine.
Molecular consequence: missense variant.
Genome position (GRCh38, 1-based): chr10:102,399,595, G>T. VCF-style: chr10-102399595-G-T. GRCh37 (hg19) VCF-style: chr10-104159352-G-T.
Other names: c.1346G>T, p.Arg449Leu (NM_001077494.3, NM_001261403.3, NM_001288724.1 and 1 more transcripts); c.1220G>T, p.Arg407Leu (NM_001322935.1); short protein forms R407L, R449L.
Identifiers: ClinVar variation 3253518 (VCV003253518.3), dbSNP rs1425430729.

ClinVar aggregate classification (germline): Uncertain significance. Review status: criteria provided, multiple submitters, no conflicts (2 of 4 stars). 2 submissions from 2 submitters: Uncertain significance (2). Last evaluated 2025-07-02.

Conditions:
Immunodeficiency, common variable, 10. Also called: DEFICIT IN ANTERIOR PITUITARY FUNCTION AND VARIABLE IMMUNODEFICIENCY; IMMUNODEFICIENCY, COMMON VARIABLE, WITH CENTRAL ADRENAL INSUFFICIENCY. Identifiers: MedGen C3809991, MONDO:0014260, OMIM 615577.

Allele frequency attached by ClinVar (database versions not stated): gnomAD 0.00001; TOPMed 0.00002.
gnomAD v4.1: 33 of 1,549,198 alleles (0.0021%); highest among the groups gnomAD compares: Non-Finnish European, 0.0027%; no homozygotes.

Submissions (2):

Labcorp Genetics (formerly Invitae), Labcorp
Classification: Uncertain significance for Immunodeficiency, common variable, 10. Last evaluated: 2025-07-02. Review status: criteria provided, single submitter. Criteria: Invitae Variant Classification Sherloc (09022015). Collection method: clinical testing. Allele origin: germline.
Comment: This sequence change replaces arginine, which is basic and polar, with leucine, which is neutral and non-polar, at codon 449 of the NFKB2 protein (p.Arg449Leu). The frequency data for this variant in the population databases is considered unreliable, as metrics indicate poor data quality at this position in the gnomAD database. This variant has not been reported in the literature in individuals affected with NFKB2-related conditions. ClinVar contains an entry for this variant (Variation ID: 3253518). An algorithm developed to predict the effect of missense changes on protein structure and function (PolyPhen-2) suggests that this variant is likely to be disruptive. In summary, the available evidence is currently insufficient to determine the role of this variant in disease. Therefore, it has been classified as a Variant of Uncertain Significance.

GeneDx
Classification: Uncertain significance. Last evaluated: 2023-12-03. Review status: criteria provided, single submitter. Criteria: GeneDx Variant Classification Process June 2021. Collection method: clinical testing. Allele origin: germline. Affected: yes.
Comment: Not observed at significant frequency in large population cohorts (gnomAD); In silico analysis supports that this missense variant does not alter protein structure/function; Has not been previously published as pathogenic or benign to our knowledge